The following is an entry in ClinVar:

NM_001277115.2(DNAH11):c.8941-3C>T

Gene: DNAH11 (dynein axonemal heavy chain 11; plus strand). Cytogenetic location: 7p15.3.
Variant type: single nucleotide variant.
Coding change: c.8941-3C>T on transcript NM_001277115.2 (MANE Select); 3 bases into the intron before coding-DNA position 8941, C replaced by T.
Molecular consequence: intron variant.
Genome position (GRCh38, 1-based): chr7:21,765,425, C>T. VCF-style: chr7-21765425-C-T. GRCh37 (hg19) VCF-style: chr7-21805043-C-T.
Identifiers: ClinVar variation 966687 (VCV000966687.9), dbSNP rs771608078, ClinGen allele CA4181802.

ClinVar aggregate classification (germline): Uncertain significance. Review status: criteria provided, multiple submitters, no conflicts (2 of 4 stars). 2 submissions from 2 submitters: Uncertain significance (2). Last evaluated 2024-11-05.

Conditions:
Primary ciliary dyskinesia. Also called: Ciliary dyskinesia. Identifiers: Orphanet 244, MedGen C0008780, MONDO:0016575, HP:0012265.

Allele frequency attached by ClinVar (database versions not stated): gnomAD exomes below 0.00001; ExAC 0.00001; gnomAD 0.00001; TOPMed 0.00001.
gnomAD v4.1: 3 of 1,613,628 alleles (0.00019%); highest among the groups gnomAD compares: Admixed American, 0.005%; no homozygotes.

Submissions (2):

Labcorp Genetics (formerly Invitae), Labcorp
Classification: Uncertain significance for Primary ciliary dyskinesia. Last evaluated: 2024-11-05. Review status: criteria provided, single submitter. Criteria: Invitae Variant Classification Sherloc (09022015). Collection method: clinical testing. Allele origin: germline.
Comment: This sequence change falls in intron 54 of the DNAH11 gene. It does not directly change the encoded amino acid sequence of the DNAH11 protein. It affects a nucleotide within the consensus splice site. This variant is present in population databases (rs771608078, gnomAD 0.003%). This variant has not been reported in the literature in individuals affected with DNAH11-related conditions. ClinVar contains an entry for this variant (Variation ID: 966687). Variants that disrupt the consensus splice site are a relatively common cause of aberrant splicing (PMID: 17576681, 9536098). Algorithms developed to predict the effect of sequence changes on RNA splicing suggest that this variant may disrupt the consensus splice site. In summary, the available evidence is currently insufficient to determine the role of this variant in disease. Therefore, it has been classified as a Variant of Uncertain Significance.

GeneDx
Classification: Uncertain significance. Last evaluated: 2023-02-27. Review status: criteria provided, single submitter. Criteria: GeneDx Variant Classification Process June 2021. Collection method: clinical testing. Allele origin: germline. Affected: yes.
Comment: Not observed at significant frequency in large population cohorts (gnomAD); In silico analysis is inconclusive as to whether the variant alters gene splicing. In the absence of RNA/functional studies, the actual effect of this sequence change is unknown.; Has not been previously published as pathogenic or benign to our knowledge

Literature cited by the submitters: PubMed 17576681 (cited by Labcorp Genetics (formerly Invitae), Labcorp); PubMed 9536098 (cited by Labcorp Genetics (formerly Invitae), Labcorp).